The following is an entry in ClinVar:

ClinVar aggregate classification (germline): Uncertain significance. Review status: criteria provided, multiple submitters, no conflicts (2 of 4 stars). 5 submissions from 5 submitters: Uncertain significance (5). Last evaluated 2025-10-30.

Conditions:
Cohen syndrome (COH1). Also called: PEPPER SYNDROME; Cutis verticis gyrata, retinitis pigmentosa, and sensorineural deafness. Identifiers: Orphanet 193, MedGen C0265223, MONDO:0008999, OMIM 216550.
VPS13B-related disorder. Also called: VPS13B-related condition.

Allele frequency attached by ClinVar (database versions not stated): gnomAD 0.00002; gnomAD exomes 0.00002 and 0.00006; ExAC 0.00003; TOPMed 0.00005; ESP Exome Variant Server 0.00008.
gnomAD v4.1: 95 of 1,614,108 alleles (0.0059%); highest among the groups gnomAD compares: Non-Finnish European, 0.008%; no homozygotes.

Submissions (5):

PreventionGenetics, part of Exact Sciences
Classification: Uncertain significance for VPS13B-related condition. Last evaluated: 2025-10-30. Review status: criteria provided, single submitter. Criteria: ACMG Guidelines, 2015. Collection method: clinical testing. Allele origin: germline.
Comment: The VPS13B c.10448C>T variant is predicted to result in the amino acid substitution p.Thr3483Ile. To our knowledge, this variant has not been reported in the literature. This variant is reported in 0.0044% of alleles in individuals of European (Non-Finnish) descent in gnomAD. At this time, the clinical significance of this variant is uncertain due to the absence of conclusive functional and genetic evidence.

Blueprint Genetics
Classification: Uncertain significance. Last evaluated: 2024-06-12. Review status: criteria provided, single submitter. Criteria: ACMG Guidelines, 2015. Collection method: clinical testing. Allele origin: germline.

Labcorp Genetics (formerly Invitae), Labcorp
Classification: Uncertain significance for Cohen syndrome. Last evaluated: 2024-01-24. Review status: criteria provided, single submitter. Criteria: Invitae Variant Classification Sherloc (09022015). Collection method: clinical testing. Allele origin: germline.
Comment: This sequence change replaces threonine, which is neutral and polar, with isoleucine, which is neutral and non-polar, at codon 3508 of the VPS13B protein (p.Thr3508Ile). This variant is present in population databases (rs367609176, gnomAD 0.007%). This variant has not been reported in the literature in individuals affected with VPS13B-related conditions. ClinVar contains an entry for this variant (Variation ID: 1308159). Advanced modeling of protein sequence and biophysical properties (such as structural, functional, and spatial information, amino acid conservation, physicochemical variation, residue mobility, and thermodynamic stability) performed at Invitae indicates that this missense variant is not expected to disrupt VPS13B protein function with a negative predictive value of 80%. In summary, the available evidence is currently insufficient to determine the role of this variant in disease. Therefore, it has been classified as a Variant of Uncertain Significance.

Mayo Clinic Laboratories, Mayo Clinic
Classification: Uncertain significance. Last evaluated: 2023-11-03. Review status: criteria provided, single submitter. Criteria: ACMG Guidelines, 2015. Collection method: clinical testing. Allele origin: germline. Observed: 1 variant allele.
Comment: BP4, PM2

GeneDx
Classification: Uncertain significance. Last evaluated: 2019-09-03. Review status: criteria provided, single submitter. Criteria: GeneDx Variant Classification Process June 2021. Collection method: clinical testing. Allele origin: germline. Affected: yes.
Comment: Not observed at a significant frequency in large population cohorts (Lek et al., 2016); In silico analysis, which includes protein predictors and evolutionary conservation, supports that this variant does not alter protein structure/function; Has not been previously published as pathogenic or benign to our knowledge

NM_152564.5(VPS13B):c.10448C>T (p.Thr3483Ile)

Gene: VPS13B (vacuolar protein sorting 13 homolog B; plus strand). Cytogenetic location: 8q22.2.
Variant type: single nucleotide variant.
Coding change: c.10448C>T on transcript NM_152564.5 (MANE Select); coding-DNA position 10448, C replaced by T.
Protein change: p.Thr3483Ile; replaces threonine 3483 with isoleucine.
Molecular consequence: missense variant.
Genome position (GRCh38, 1-based): chr8:99,853,837, C>T. VCF-style: chr8-99853837-C-T. GRCh37 (hg19) VCF-style: chr8-100866065-C-T.
Other names: p.Thr3508Ile; c.10523C>T, p.Thr3508Ile (NM_017890.5); c.10523C>T (NM_017890.4); c.10448C>T (NM_152564.4); short protein forms T3483I, T3508I.
Identifiers: ClinVar variation 1308159 (VCV001308159.7), dbSNP rs367609176, ClinGen allele CA4824951.
Genomic context (GRCh38, chr8:99,853,837, plus strand): 5'-TCATATCCAACAAAGAGTTGGAAGAATACAAGGAAAAATGTTTTATCAAACTTTGCATCA[C>T]CTTAAATGAAGGCAAGAGCATCCTCTGTGATATTAATGAGTTCAGCTTTGAATTAAAACC-3'
Protein context (NP_689777.3, residues 3473-3493): KEKCFIKLCI[Thr3483Ile]LNEGKSILCD